The following is an entry in ClinVar:

NM_000122.2(ERCC3):c.1483G>C (p.Glu495Gln)

Gene: ERCC3 (ERCC excision repair 3, TFIIH core complex helicase subunit; minus strand). Cytogenetic location: 2q14.3.
Variant type: single nucleotide variant.
Coding change: c.1483G>C on transcript NM_000122.2 (MANE Select); coding-DNA position 1483, G replaced by C.
Protein change: p.Glu495Gln; replaces glutamic acid 495 with glutamine.
Molecular consequence: missense variant.
Genome position (GRCh38, 1-based): chr2:127,280,491, C>G on the plus strand (G>C on the coding strand, the complement: ERCC3 is on the minus strand). VCF-style: chr2-127280491-C-G. GRCh37 (hg19) VCF-style: chr2-128038067-C-G.
Other names: c.1291G>C, p.Glu431Gln (NM_001303416.2, NM_001303418.2); short protein forms E431Q, E495Q.
Identifiers: ClinVar variation 3365736 (VCV003365736.1).

ClinVar aggregate classification (germline): Uncertain significance (1 of 4 stars; one submission).

gnomAD v4.1: 2 of 1,613,868 alleles (0.00012%); highest among the groups gnomAD compares: Non-Finnish European, 0.00017%; no homozygotes.

Submission:

GeneDx
Classification: Uncertain significance. Last evaluated: 2023-12-15. Review status: criteria provided, single submitter. Criteria: GeneDx Variant Classification Process June 2021. Collection method: clinical testing. Allele origin: germline. Affected: yes.
Comment: Has not been previously published as pathogenic or benign to our knowledge; In silico analysis supports that this missense variant has a deleterious effect on protein structure/function; Not observed at significant frequency in large population cohorts (gnomAD)